The following is an entry in ClinVar:

ClinVar aggregate classification (germline): Benign. Review status: criteria provided, multiple submitters, no conflicts (2 of 4 stars). 4 submissions from 4 submitters: Benign (4). Last evaluated 2026-02-04.

Conditions:
Osteogenesis imperfecta type 6. Also called: Osteogenesis imperfecta, type VI. Identifiers: Orphanet 666, MedGen C3279564, MONDO:0013515, OMIM 613982.

Allele frequency attached by ClinVar (database versions not stated): gnomAD exomes 0.05043 and 0.08418; ExAC 0.08458; gnomAD 0.12668 and 0.12986; ESP Exome Variant Server 0.13371; TOPMed 0.14423; 1000 Genomes Project 0.16374; 1000 Genomes Project 30x 0.16708.
gnomAD v4.1: 93,904 of 1,613,784 alleles (5.8%); highest among the groups gnomAD compares: African/African-American, 31%; 6,536 homozygotes.

Submissions (4):

Labcorp Genetics (formerly Invitae), Labcorp
Classification: Benign. Last evaluated: 2026-02-04. Review status: criteria provided, single submitter. Criteria: Invitae Variant Classification Sherloc (09022015). Collection method: clinical testing. Allele origin: germline.

Illumina Laboratory Services, Illumina
Classification: Benign for Osteogenesis imperfecta type 6. Last evaluated: 2018-01-12. Review status: criteria provided, single submitter. Criteria: ICSL Variant Classification Criteria 13 December 2019. Collection method: clinical testing. Allele origin: germline.
Comment: This variant was observed in the ICSL laboratory as part of a predisposition screen in an ostensibly healthy population. It had not been previously curated by ICSL or reported in the Human Gene Mutation Database (HGMD: prior to June 1st, 2018), and was therefore a candidate for classification through an automated scoring system. Utilizing variant allele frequency, disease prevalence and penetrance estimates, and inheritance mode, an automated score was calculated to assess if this variant is too frequent to cause the disease. Based on the score and internal cut-off values, a variant classified as benign is not then subjected to further curation. The score for this variant resulted in a classification of benign for this disease.

GeneDx
Classification: Benign. Last evaluated: 2017-09-13. Review status: criteria provided, single submitter. Criteria: GeneDx Variant Classification (06012015). Collection method: clinical testing. Allele origin: germline. Affected: yes.
Comment: This variant is considered likely benign or benign based on one or more of the following criteria: it is a conservative change, it occurs at a poorly conserved position in the protein, it is predicted to be benign by multiple in silico algorithms, and/or has population frequency not consistent with disease.

Breakthrough Genomics
Classification: Benign. Review status: criteria provided, single submitter. Criteria: ACMG Guidelines, 2015. Collection method: not provided. Allele origin: germline. Inheritance: Autosomal recessive inheritance. Affected: yes.

NM_002615.7(SERPINF1):c.644-14A>T

Gene: SERPINF1 (serpin family F member 1; plus strand). Cytogenetic location: 17p13.3.
Variant type: single nucleotide variant.
Coding change: c.644-14A>T on transcript NM_002615.7 (MANE Select); 14 bases into the intron before coding-DNA position 644, A replaced by T.
Molecular consequence: intron variant.
Genome position (GRCh38, 1-based): chr17:1,775,044, A>T. VCF-style: chr17-1775044-A-T. GRCh37 (hg19) VCF-style: chr17-1678338-A-T.
Other names: c.83-14A>T (NM_001329904.2, NM_001329905.2); c.644-14A>T (NM_001329903.2).
Identifiers: ClinVar variation 322008 (VCV000322008.15), dbSNP rs3891224, ClinGen allele CA8274786.